The following is an entry in ClinVar:

ClinVar aggregate classification (germline): Benign. Review status: criteria provided, multiple submitters, no conflicts (2 of 4 stars). 4 submissions from 3 submitters: Benign (4). Last evaluated 2021-07-01.

Conditions:
Usher syndrome type 1D (USH1D). Also called: USHER SYNDROME, TYPE ID. Identifiers: Orphanet 231169, Orphanet 886, MedGen C1832845, MONDO:0010984, OMIM 601067.
Autosomal recessive nonsyndromic hearing loss 12. Also called: DEAFNESS, AUTOSOMAL RECESSIVE 12. Identifiers: Orphanet 90636, MedGen C1832394, MONDO:0011067, OMIM 601386.

Allele frequency attached by ClinVar (database versions not stated): gnomAD 0.27610 and 0.27810; TOPMed 0.28127; gnomAD exomes 0.28890; 1000 Genomes Project 30x 0.32683; 1000 Genomes Project 0.32788.
gnomAD v4.1: 300,971 of 1,048,304 alleles (29%); highest among the groups gnomAD compares: East Asian, 57%; 46,080 homozygotes.

Submissions (4):

Genome-Nilou Lab
Classification: Benign for Usher syndrome type 1D. Last evaluated: 2021-07-01. Review status: criteria provided, single submitter. Criteria: ACMG Guidelines, 2015. Collection method: clinical testing. Allele origin: germline. Affected: no.

Genome-Nilou Lab
Classification: Benign for Autosomal recessive nonsyndromic hearing loss 12. Last evaluated: 2021-07-01. Review status: criteria provided, single submitter. Criteria: ACMG Guidelines, 2015. Collection method: clinical testing. Allele origin: germline. Affected: no.

GeneDx
Classification: Benign. Last evaluated: 2018-06-13. Review status: criteria provided, single submitter. Criteria: GeneDx Variant Classification (06012015). Collection method: clinical testing. Allele origin: germline. Affected: yes.
Comment: This variant is considered likely benign or benign based on one or more of the following criteria: it is a conservative change, it occurs at a poorly conserved position in the protein, it is predicted to be benign by multiple in silico algorithms, and/or has population frequency not consistent with disease.

Breakthrough Genomics
Classification: Benign. Review status: criteria provided, single submitter. Criteria: ACMG Guidelines, 2015. Collection method: not provided. Allele origin: germline. Inheritance: Autosomal recessive inheritance. Affected: yes.

NM_022124.6(CDH23):c.6830-81G>A

Gene: CDH23 (cadherin related 23; plus strand). Cytogenetic location: 10q22.1.
Variant type: single nucleotide variant.
Coding change: c.6830-81G>A on transcript NM_022124.6 (MANE Select); 81 bases into the intron before coding-DNA position 6830, G replaced by A.
Molecular consequence: intron variant.
Genome position (GRCh38, 1-based): chr10:71,798,273, G>A. VCF-style: chr10-71798273-G-A. GRCh37 (hg19) VCF-style: chr10-73558030-G-A.
Other names: c.110-81G>A (NM_001171933.1, NM_001171934.1).
Identifiers: ClinVar variation 678790 (VCV000678790.5), dbSNP rs7068357, ClinGen allele CA209469454.